The following is an entry in ClinVar:

NM_001849.4(COL6A2):c.736-3C>G

Gene: COL6A2 (collagen type VI alpha 2 chain; plus strand). Cytogenetic location: 21q22.3.
Variant type: single nucleotide variant.
Coding change: c.736-3C>G on transcript NM_001849.4 (MANE Select); 3 bases into the intron before coding-DNA position 736, C replaced by G.
Molecular consequence: intron variant.
Genome position (GRCh38, 1-based): chr21:46,114,005, C>G. VCF-style: chr21-46114005-C-G. GRCh37 (hg19) VCF-style: chr21-47533919-C-G.
Other names: c.736-3C>G (NM_058175.3, NM_058174.3).
Identifiers: ClinVar variation 4685068 (VCV004685068.1).

ClinVar aggregate classification (germline): Uncertain significance (1 of 4 stars; one submission).

Submission:

GeneDx
Classification: Uncertain significance. Last evaluated: 2025-07-08. Review status: criteria provided, single submitter. Criteria: GeneDx Variant Classification Process June 2021. Collection method: clinical testing. Allele origin: germline. Affected: yes.
Comment: RNA studies demonstrate a damaging effect and show that this variant results in the skipping of the adjacent in-frame exon (PMID: 20976770); In silico analysis supports a deleterious effect on splicing; Not observed at significant frequency in large population cohorts (gnomAD); This variant is associated with the following publications: (PMID: 20976770, 29419890)